The following is an entry in ClinVar:

NM_001039141.3(TRIOBP):c.848G>A (p.Arg283Gln)

Gene: TRIOBP (TRIO and F-actin binding protein; plus strand). Cytogenetic location: 22q13.1.
Variant type: single nucleotide variant.
Coding change: c.848G>A on transcript NM_001039141.3 (MANE Select); coding-DNA position 848, G replaced by A.
Protein change: p.Arg283Gln; replaces arginine 283 with glutamine.
Molecular consequence: missense variant.
Genome position (GRCh38, 1-based): chr22:37,723,404, G>A. VCF-style: chr22-37723404-G-A. GRCh37 (hg19) VCF-style: chr22-38119411-G-A.
Other names: short protein forms R283Q.
Identifiers: ClinVar variation 3378279 (VCV003378279.2).

ClinVar aggregate classification (germline): Uncertain significance (1 of 4 stars; one submission).

gnomAD v4.1: 12 of 1,613,650 alleles (0.00074%); highest among the groups gnomAD compares: South Asian, 0.0077%; no homozygotes.

Submission:

GeneDx
Classification: Uncertain significance. Last evaluated: 2026-02-11. Review status: criteria provided, single submitter. Criteria: GeneDx Variant Classification Process June 2021. Collection method: clinical testing. Allele origin: germline. Affected: yes.
Comment: Not observed at significant frequency in large population cohorts (gnomAD); In silico analysis suggests that this missense variant does not alter protein structure/function; Has not been previously published as pathogenic or benign to our knowledge